The following is an entry in ClinVar:

ClinVar aggregate classification (germline): Uncertain significance (1 of 4 stars; one submission).

Allele frequency attached by ClinVar (database versions not stated): gnomAD 0.00001; gnomAD exomes 0.00001; ExAC 0.00002; 1000 Genomes Project 0.00020; 1000 Genomes Project 30x 0.00031.
gnomAD v4.1: 19 of 1,523,278 alleles (0.0012%); highest among the groups gnomAD compares: Admixed American, 0.0045%; 1 homozygote.

Submission:

Labcorp Genetics (formerly Invitae), Labcorp
Classification: Uncertain significance. Last evaluated: 2023-08-04. Review status: criteria provided, single submitter. Criteria: Invitae Variant Classification Sherloc (09022015). Collection method: clinical testing. Allele origin: germline.
Comment: In summary, the available evidence is currently insufficient to determine the role of this variant in disease. Therefore, it has been classified as a Variant of Uncertain Significance. Algorithms developed to predict the effect of sequence changes on RNA splicing suggest that this variant may disrupt the consensus splice site. ClinVar contains an entry for this variant (Variation ID: 1907896). This variant has not been reported in the literature in individuals affected with GUF1-related conditions. This variant is present in population databases (rs538022720, gnomAD 0.005%). This sequence change affects codon 188 of the GUF1 mRNA. It is a 'silent' change, meaning that it does not change the encoded amino acid sequence of the GUF1 protein.

NM_021927.3(GUF1):c.564G>A (p.Ser188=)

Gene: GUF1 (GTP binding elongation factor GUF1; plus strand). Cytogenetic location: 4p12.
Variant type: single nucleotide variant.
Coding change: c.564G>A on transcript NM_021927.3 (MANE Select); coding-DNA position 564, G replaced by A.
Protein change: p.Ser188=; no amino-acid change (serine 188 retained).
Molecular consequence: synonymous variant. On other transcripts: 5 prime UTR variant (2).
Genome position (GRCh38, 1-based): chr4:44,682,390, G>A. VCF-style: chr4-44682390-G-A. GRCh37 (hg19) VCF-style: chr4-44684407-G-A.
Other names: c.-405G>A (NM_001345867.2); c.564G>A, p.Ser188= (NM_001345868.2); c.-409G>A (NM_001345869.2).
Identifiers: ClinVar variation 1907896 (VCV001907896.5), dbSNP rs538022720, ClinGen allele CA2905340.